The following is an entry in ClinVar:

ClinVar aggregate classification (germline): Conflicting classifications of pathogenicity. Review status: criteria provided, conflicting classifications (1 of 4 stars). 13 submissions from 13 submitters: Uncertain significance (8); Benign (1); Likely benign (1). 3 of the submissions do not count toward it. Last evaluated 2026-08-06.

Conditions:
Monogenic short statue.
Hereditary cancer-predisposing syndrome. Also called: Neoplastic Syndromes, Hereditary; Hereditary Cancer Syndrome; Tumor predisposition; Hereditary neoplastic syndrome. Identifiers: Orphanet 140162, MedGen C0027672, MeSH D009386, MONDO:0015356.
Hereditary breast ovarian cancer syndrome. Also called: Hereditary breast and/or ovarian cancer syndrome; Hereditary breast and ovarian cancer syndrome; BRCA1- and BRCA2-Associated Hereditary Breast and Ovarian Cancer; Hereditary breast and ovarian cancer syndrome (HBOC); Breast and ovarian cancer; Hereditary breast and ovarian cancer. Identifiers: Orphanet 145, MedGen C0677776, MeSH D061325, MONDO:0003582. Disease mechanism: loss of function.
Bloom syndrome (BLM). Also called: Bloom-Torre-Machacek syndrome. Identifiers: Orphanet 125, MedGen C0005859, MONDO:0008876, OMIM 210900.

Allele frequency attached by ClinVar (database versions not stated): gnomAD 0.00004 and 0.00007; gnomAD exomes 0.00009 and 0.00013; TOPMed 0.00009; ExAC 0.00015; ESP Exome Variant Server 0.00015; 1000 Genomes Project 30x 0.00016; 1000 Genomes Project 0.00020.
gnomAD v4.1: 140 of 1,613,678 alleles (0.0087%); highest among the groups gnomAD compares: East Asian, 0.22%; no homozygotes.

Submissions (13):

NHS Central & South Genomic Laboratory Hub
Classification: Uncertain significance for Monogenic short statue. Last evaluated: 2026-08-06. Review status: criteria provided, single submitter. Criteria: ACMG Guidelines, 2015. Collection method: clinical testing. Allele origin: germline. Affected: yes.

Labcorp Genetics (formerly Invitae), Labcorp
Classification: Benign for Bloom syndrome. Last evaluated: 2026-01-20. Review status: criteria provided, single submitter. Criteria: Invitae Variant Classification Sherloc (09022015). Collection method: clinical testing. Allele origin: germline.

GeneDx
Classification: Uncertain significance. Last evaluated: 2025-07-17. Review status: criteria provided, single submitter. Criteria: GeneDx Variant Classification Process June 2021. Collection method: clinical testing. Allele origin: germline. Affected: yes.
Comment: In silico analysis supports that this missense variant has a deleterious effect on protein structure/function; This variant is associated with the following publications: (PMID: 24816114, 24728327, 23129629, 26788541, 32566746, 32704157, 30214240, 31721094, 25653542, 32019277, 28944238, 37885353, 38087044)

Quest Diagnostics Nichols Institute San Juan Capistrano
Classification: Uncertain significance. Last evaluated: 2025-07-16. Review status: criteria provided, single submitter. Criteria: Quest Diagnostics criteria. Collection method: clinical testing. Allele origin: unknown.
Comment: The BLM c.2371C>T (p.Arg791Cys) variant has been reported in the published literature in experimental studies with inconclusive functional evidence. It is noted to result in partial loss of function in yeast based assays (PMID: 23129629 (2012)). Additionally, it is described to destabilize the enzyme and lead to inefficient DNA break repair (PMIDs: 24816114 (2014), 26788541 (2016)). However, it is also noted to show normal cell survival with unclear sensitivity to certain cancer medications (PMID: 26788541 (2016)). To the best of our knowledge, this variant has not been reported in individuals with BLM-associated disease. The frequency of this variant in the general population (Genome Aggregation Database) is higher than would generally be expected for pathogenic variants in this gene. Analysis of this variant using bioinformatics tools for the prediction of the effect of amino acid changes on protein structure and function yielded predictions that this variant is damaging. Based on the available information, we are unable to determine the clinical significance of this variant.

Ambry Genetics
Classification: Likely benign for Hereditary cancer-predisposing syndrome. Last evaluated: 2023-02-15. Review status: criteria provided, single submitter. Criteria: Ambry Variant Classification Scheme 2023. Collection method: clinical testing. Allele origin: germline.

Sema4
Classification: Uncertain significance for Hereditary cancer-predisposing syndrome. Last evaluated: 2021-10-12. Review status: criteria provided, single submitter. Criteria: Sema4 Curation Guidelines. Collection method: curation. Allele origin: germline.
Comment: To the best of our knowledge, the BLM c.2371C>T (p.R791C) variant has not been reported in individuals with BLM-related disease. It has been reported in a healthy individual and in a lung cancer developed cell line (PMID: 24728327, 25653542). Functional studies have shown that this variant may result in a partial loss of function (PMID: 23129629, 26788541). It was observed in 25/19954 chromosomes of the East Asian subpopulation, with no homozygotes, in the large and broad cohorts of the Genome Aggregation Database (PMID: 32461654). The variant has been reported in ClinVar (Variation ID 133698). In silico predictions of the variant's effect on protein function are inconclusive. The evidence is insufficient to meet ACMG/AMP criteria for classifying the variant as benign or pathogenic. Thus, the clinical significance of this variant is currently uncertain.

Pars Genome Lab
Classification: Uncertain significance for Bloom syndrome. Last evaluated: 2021-05-18. Review status: criteria provided, single submitter. Criteria: ACMG Guidelines, 2015. Collection method: clinical testing. Allele origin: germline. Affected: no.

Cancer Genomics Group, Japanese Foundation For Cancer Research
Classification: Uncertain significance for Hereditary breast and ovarian cancer syndrome. Last evaluated: 2019-05-01. Review status: criteria provided, single submitter. Criteria: ACMG Guidelines, 2015. Collection method: research. Allele origin: germline. Affected: yes.

Fulgent Genetics
Classification: Uncertain significance for Bloom syndrome. Last evaluated: 2018-10-31. Review status: criteria provided, single submitter. Criteria: ACMG Guidelines, 2015. Collection method: clinical testing. Allele origin: unknown.

Women's Health and Genetics/Laboratory Corporation of America, LabCorp
Classification: Uncertain significance. Last evaluated: 2018-02-23. Review status: criteria provided, single submitter. Criteria: LabCorp Variant Classification Summary - May 2015. Collection method: clinical testing. Allele origin: germline.
Comment: Variant summary: BLM c.2371C>T (p.Arg791Cys) results in a non-conservative amino acid change located in the Helicase superfamily 1/2, ATP-binding domain and DEAD/DEAH box helicase domain of the encoded protein sequence. Four of five in-silico tools predict a damaging effect of the variant on protein function. The variant allele was found at a frequency of 0.00012 in 277226 control chromosomes. This frequency is not higher than expected for a pathogenic variant in BLM causing Bloom Syndrome (0.00012 vs 0.0035), allowing no conclusion about variant significance. The c.2371C>T variant has been reported in the literature in a cancer cell line from a Bloom Syndrome patient. This report does not provide strong evidence about an association of the variant with Bloom Syndrome. Several publications report experimental evidence evaluating an impact on protein function. In one study (Shastri_2015), the variant showed no significant sensitivity to hydroxyurea. However, it showed delayed accumulation and elimination of phosphorylated H2AX upon DNA damage. Moreover, the variant showed a significantly increased level of sister chromatid exchanges compared WT controls. Another study (Mirzaei_2012) described the variant as a partial loss of function via yeast growth assays, and suggested this was due to the variants proximity to an invariant residue (D795), thus causing only a partial loss of ATP hydrolysis activity. One clinical diagnostic laboratory has submitted clinical-significance assessments for this variant to ClinVar after 2014 without evidence for independent evaluation, and classified the variant as uncertain significance. Based on the evidence outlined above, the variant was classified as VUS-possibly pathogenic.

Natera, Inc.
Classification: Uncertain significance for Bloom syndrome. Last evaluated: 2020-09-16. Review status: no assertion criteria provided. Collection method: clinical testing. Allele origin: germline. Not counted in ClinVar's aggregate classification.

Counsyl
Classification: Uncertain significance for Bloom syndrome. Last evaluated: 2017-03-13. Review status: no assertion criteria provided. Collection method: clinical testing. Allele origin: unknown. Not counted in ClinVar's aggregate classification.

ITMI
No classification provided. Condition: AllHighlyPenetrant. Last evaluated: 2013-09-19. Review status: no classification provided. Collection method: reference population. Allele origin: germline. Not counted in ClinVar's aggregate classification.
Comment: Please see associated publication for description of ethnicities

Literature cited by the submitters: PubMed 37885353 (cited by Quest Diagnostics Nichols Institute San Juan Capistrano); PubMed 23129629 (cited by 6 submitters); PubMed 24728327 (cited by 5 submitters); PubMed 24816114 (cited by Quest Diagnostics Nichols Institute San Juan Capistrano and Ambry Genetics); PubMed 25653542 (cited by 3 submitters); PubMed 26788541 (cited by 4 submitters); PubMed 30214240 (cited by Quest Diagnostics Nichols Institute San Juan Capistrano and Ambry Genetics).

NM_000057.4(BLM):c.2371C>T (p.Arg791Cys)

Gene: BLM (BLM RecQ like helicase; plus strand). Cytogenetic location: 15q26.1.
Variant type: single nucleotide variant.
Coding change: c.2371C>T on transcript NM_000057.4 (MANE Select); coding-DNA position 2371, C replaced by T.
Protein change: p.Arg791Cys; replaces arginine 791 with cysteine.
Molecular consequence: missense variant.
Genome position (GRCh38, 1-based): chr15:90,769,196, C>T. VCF-style: chr15-90769196-C-T. GRCh37 (hg19) VCF-style: chr15-91312426-C-T.
Other names: c.2371C>T, p.Arg791Cys (NM_001287246.2, NM_001287247.2); c.1246C>T, p.Arg416Cys (NM_001287248.2); c.2371C>T (LRG_20t1); short protein forms R791C, R416C.
Identifiers: ClinVar variation 133698 (VCV000133698.26), dbSNP rs55880859, ClinGen allele CA157382.
Genomic context (GRCh38, chr15:90,769,196, plus strand): 5'-TGTGCAAGTAACAGACTCATTTCTACTCTGGAGAATCTCTATGAGAGGAAGCTCTTGGCA[C>T]GTTTTGTTATTGATGAAGCACATTGTGTCAGTCAGGTAAATACTGTTTTTTATATCCGGA-3'
Protein context (NP_000048.1, residues 781-801): ENLYERKLLA[Arg791Cys]FVIDEAHCVS